The following is an entry in ClinVar:

NM_018699.4(PRDM5):c.1400A>G (p.Asn467Ser)

Gene: PRDM5 (PR/SET domain 5; minus strand). Cytogenetic location: 4q27.
Variant type: single nucleotide variant.
Coding change: c.1400A>G on transcript NM_018699.4 (MANE Select); coding-DNA position 1400, A replaced by G.
Protein change: p.Asn467Ser; replaces asparagine 467 with serine.
Molecular consequence: missense variant.
Genome position (GRCh38, 1-based): chr4:120,781,186, T>C on the plus strand (A>G on the coding strand, the complement: PRDM5 is on the minus strand). VCF-style: chr4-120781186-T-C. GRCh37 (hg19) VCF-style: chr4-121702341-T-C.
Other names: c.1307A>G, p.Asn436Ser (NM_001300823.2, NM_001300824.2, NM_001379106.1); c.1433A>G, p.Asn478Ser (NM_001379104.1); short protein forms N467S, N436S, N478S.
Identifiers: ClinVar variation 3937788 (VCV003937788.1).

ClinVar aggregate classification (germline): Uncertain significance (1 of 4 stars; one submission).

Conditions:
Cardiovascular phenotype. Identifiers: MedGen CN230736.

gnomAD v4.1: 30 of 1,613,362 alleles (0.0019%); highest among the groups gnomAD compares: South Asian, 0.033%; 2 homozygotes.

Submission:

Ambry Genetics
Classification: Uncertain significance for Cardiovascular phenotype. Last evaluated: 2025-04-30. Review status: criteria provided, single submitter. Criteria: Ambry Variant Classification Scheme 2023. Collection method: clinical testing. Allele origin: germline.
Comment: The p.N467S variant (also known as c.1400A>G), located in coding exon 12 of the PRDM5 gene, results from an A to G substitution at nucleotide position 1400. The asparagine at codon 467 is replaced by serine, an amino acid with highly similar properties. This amino acid position is conserved. In addition, this alteration is predicted to be tolerated by in silico analysis. Based on the available evidence, the clinical significance of this variant remains unclear.